The following is an entry in ClinVar:

ClinVar aggregate classification (germline): Benign/Likely benign. Review status: criteria provided, multiple submitters, no conflicts (2 of 4 stars). 9 submissions from 9 submitters: Benign (1); Likely benign (8). Last evaluated 2026-09-16.

Conditions:
MYBPC3-related disorder. Also called: MYBPC3-related disorders; MYBPC3-related condition; MYBPC3-related disease.
Cardiovascular phenotype. Identifiers: MedGen CN230736.
Cardiomyopathy (CMYO). Also called: Cardiomyopathies. Identifiers: Orphanet 167848, MedGen C0878544, MONDO:0004994, HP:0001638. Inheritance: Various modes of inheritance.
Hypertrophic cardiomyopathy. Also called: HYPERTROPHIC MYOCARDIOPATHY. Identifiers: Orphanet 217569, MedGen C0007194, MeSH D002312, MONDO:0005045, HP:0001639.

Allele frequency attached by ClinVar (database versions not stated): gnomAD exomes 0.00002; gnomAD 0.00005; ExAC 0.00006; TOPMed 0.00007.
gnomAD v4.1: 32 of 1,591,654 alleles (0.002%); highest among the groups gnomAD compares: Middle Eastern, 0.017%; no homozygotes.

Submissions (9):

PreventionGenetics, part of Exact Sciences
Classification: Likely benign for MYBPC3-related condition. Last evaluated: 2026-09-16. Review status: criteria provided, single submitter. Criteria: ACMG Guidelines, 2015. Collection method: clinical testing. Allele origin: germline.
Comment: This variant is classified as likely benign based on ACMG/AMP sequence variant interpretation guidelines (Richards et al. 2015 PMID: 25741868, with internal and published modifications).

Labcorp Genetics (formerly Invitae), Labcorp
Classification: Likely benign for Hypertrophic cardiomyopathy. Last evaluated: 2025-11-05. Review status: criteria provided, single submitter. Criteria: Invitae Variant Classification Sherloc (09022015). Collection method: clinical testing. Allele origin: germline.

Molecular Diagnostic Laboratory for Inherited Cardiovascular Disease, Montreal Heart Institute
Classification: Likely benign. Last evaluated: 2025-04-09. Review status: criteria provided, single submitter. Criteria: ACMG Guidelines, 2015. Collection method: clinical testing. Allele origin: germline. Affected: no.

Ambry Genetics
Classification: Likely benign for Cardiovascular phenotype. Last evaluated: 2022-07-10. Review status: criteria provided, single submitter. Criteria: Ambry Variant Classification Scheme 2023. Collection method: clinical testing. Allele origin: germline.

Color Diagnostics, LLC DBA Color Health
Classification: Likely benign for Cardiomyopathy. Last evaluated: 2019-06-03. Review status: criteria provided, single submitter. Criteria: ACMG Guidelines, 2015. Collection method: clinical testing. Allele origin: germline.

CHEO Genetics Diagnostic Laboratory, Children's Hospital of Eastern Ontario
Classification: Likely benign for Cardiomyopathy. Last evaluated: 2017-09-20. Review status: criteria provided, single submitter. Criteria: ACMG Guidelines, 2015. Collection method: clinical testing. Allele origin: germline. Study: Canadian Open Genetics Repository.

GeneDx
Classification: Benign. Last evaluated: 2017-08-08. Review status: criteria provided, single submitter. Criteria: GeneDx Variant Classification (06012015). Collection method: clinical testing. Allele origin: germline. Affected: yes.
Comment: This variant is considered likely benign or benign based on one or more of the following criteria: it is a conservative change, it occurs at a poorly conserved position in the protein, it is predicted to be benign by multiple in silico algorithms, and/or has population frequency not consistent with disease.

Laboratory for Molecular Medicine, Mass General Brigham Personalized Medicine
Classification: Likely benign. Last evaluated: 2012-10-24. Review status: criteria provided, single submitter. Criteria: LMM Criteria. Collection method: clinical testing. Allele origin: germline. Observed: 1 variant allele.
Comment: Cys623Cys in exon 19 of MYBPC3: This variant is not expected to have clinical si gnificance because it does not alter an amino acid residue and is not located wi thin the splice consensus sequence. Cys623Cys in exon 19 of MYBPC3 (allele freq uency = n/a)

Breakthrough Genomics
Classification: Likely benign. Review status: criteria provided, single submitter. Criteria: ACMG Guidelines, 2015. Collection method: not provided. Allele origin: germline. Inheritance: Autosomal dominant inheritance. Affected: yes.

NM_000256.3(MYBPC3):c.1869C>T (p.Cys623=)

Gene: MYBPC3 (myosin binding protein C3; minus strand). Cytogenetic location: 11p11.2.
Variant type: single nucleotide variant.
Coding change: c.1869C>T on transcript NM_000256.3 (MANE Select); coding-DNA position 1869, C replaced by T.
Protein change: p.Cys623=; no amino-acid change (cysteine 623 retained).
Molecular consequence: synonymous variant.
Genome position (GRCh38, 1-based): chr11:47,341,166, G>A on the plus strand (C>T on the coding strand, the complement: MYBPC3 is on the minus strand). VCF-style: chr11-47341166-G-A. GRCh37 (hg19) VCF-style: chr11-47362717-G-A.
Identifiers: ClinVar variation 42579 (VCV000042579.23), dbSNP rs397515932, ClinGen allele CA011380.
Genomic context (GRCh38, chr11:47,341,166, plus strand): 5'-CCCCGACCCACCCTACCCTGGAGCAGGCTCACCCATGAAGTGGAGCTTGGCTGACAGGTT[G>A]CAGGCGAAGCCCTCGGGCACAAAGCTGTAGTCAGCCTCGTCGGCAGGTGTGACGTCGTCA-3'
Protein context (NP_000247.2, residues 613-633): DYSFVPEGFA[Cys623=]NLSAKLHFME